The following is an entry in ClinVar:

NM_000059.4(BRCA2):c.6532dup (p.His2178fs)

Gene: BRCA2 (BRCA2 DNA repair associated; plus strand). Cytogenetic location: 13q13.1.
Variant type: Duplication.
Coding change: c.6532dup on transcript NM_000059.4 (MANE Select); coding-DNA position 6532, one base duplicated (C; older notation c.6532dupC).
Protein change: p.His2178fs; shifts the reading frame from histidine 2178.
Molecular consequence: frameshift variant.
Genome position (GRCh38, 1-based): chr13:32,340,887, C duplicated. VCF-style (leftmost placement, unchanged base first): chr13-32340886-T-TC. GRCh37 (hg19) VCF-style: chr13-32915023-T-TC.
Other names: c.6532dupC (NM_000059.3); short protein forms H2178fs.
Identifiers: ClinVar variation 224440 (VCV000224440.8), dbSNP rs886037798, ClinGen allele CA10575925.
Genomic context (GRCh38, chr13:32,340,886, plus strand): 5'-ATTTCAACAAGACAAACAACAGTTGGTATTAGGAACCAAAGTGTCACTTGTTGAGAACAT[T>TC]CATGTTTTGGGAAAAGAACAGGCTTCACCTAAAAACGTAAAAATGGAAATTGGTAAAACT-3'

ClinVar aggregate classification (germline): Pathogenic. Review status: reviewed by expert panel (3 of 4 stars). 4 submissions from 4 submitters: Pathogenic (1). 3 of the submissions do not count toward it. Last evaluated 2017-12-15.

Conditions:
Hereditary cancer-predisposing syndrome. Also called: Tumor predisposition; Hereditary neoplastic syndrome; Neoplastic Syndromes, Hereditary; Hereditary Cancer Syndrome. Identifiers: Orphanet 140162, MedGen C0027672, MeSH D009386, MONDO:0015356.
Breast neoplasm. Also called: Neoplasm of breast; Breast tumor; Neoplasm of the breast; Breast Neoplasms. Identifiers: MedGen C1458155, MeSH D001943, MONDO:0021100, HP:0100013. Disease mechanism: gain of function.
Hereditary breast ovarian cancer syndrome. Also called: Hereditary breast and ovarian cancer; BRCA1- and BRCA2-Associated Hereditary Breast and Ovarian Cancer; Hereditary breast and/or ovarian cancer syndrome; Hereditary breast and ovarian cancer syndrome; Hereditary breast and ovarian cancer syndrome (HBOC); Breast and ovarian cancer. Identifiers: Orphanet 145, MedGen C0677776, MeSH D061325, MONDO:0003582. Disease mechanism: loss of function.
Breast-ovarian cancer, familial, susceptibility to, 2 (BROVCA2). Also called: BRCA2 Hereditary Breast and Ovarian Cancer. Identifiers: Orphanet 145, MedGen C2675520, MONDO:0012933, OMIM 612555. Disease mechanism: loss of function.

Submissions (4):

Evidence-based Network for the Interpretation of Germline Mutant Alleles (ENIGMA)
Classification: Pathogenic for Breast-ovarian cancer, familial, susceptibility to, 2. Last evaluated: 2017-12-15. Review status: reviewed by expert panel. Criteria: ENIGMA BRCA1/2 Classification Criteria (2017-06-29). Collection method: curation. Allele origin: germline. Study: ENIGMA.
Comment: Variant allele predicted to encode a truncated non-functional protein.

Labcorp Genetics (formerly Invitae), Labcorp
Classification: Pathogenic for Hereditary breast ovarian cancer syndrome. Last evaluated: 2023-02-24. Review status: criteria provided, single submitter. Criteria: Invitae Variant Classification Sherloc (09022015). Collection method: clinical testing. Allele origin: germline. Not counted in ClinVar's aggregate classification.
Comment: This variant is not present in population databases (gnomAD no frequency). This sequence change creates a premature translational stop signal (p.His2178Profs*11) in the BRCA2 gene. It is expected to result in an absent or disrupted protein product. Loss-of-function variants in BRCA2 are known to be pathogenic (PMID: 20104584). This premature translational stop signal has been observed in individual(s) with breast cancer (PMID: 27257965). For these reasons, this variant has been classified as Pathogenic. ClinVar contains an entry for this variant (Variation ID: 224440).

Ambry Genetics
Classification: Pathogenic for Hereditary cancer-predisposing syndrome. Last evaluated: 2022-02-24. Review status: criteria provided, single submitter. Criteria: Ambry Variant Classification Scheme 2023. Collection method: clinical testing. Allele origin: germline. Not counted in ClinVar's aggregate classification.
Comment: The c.6532dupC pathogenic mutation, located in coding exon 10 of the BRCA2 gene, results from a duplication of C at nucleotide position 6532, causing a translational frameshift with a predicted alternate stop codon (p.H2178Pfs*11). This alteration was identified in 1/507 unselected Chinese breast cancer patients (Zhong X et al. PLoS One, 2016 Jun;11:e0156789). This variant is considered to be rare based on population cohorts in the Genome Aggregation Database (gnomAD). In addition to the clinical data presented in the literature, this alteration is expected to result in loss of function by premature protein truncation or nonsense-mediated mRNA decay. As such, this alteration is interpreted as a disease-causing mutation.

Laboratory of Molecular Diagnosis of Cancer, West China Hospital, Sichuan University
Classification: Pathogenic for Breast neoplasm. Last evaluated: 2015-11-01. Review status: criteria provided, single submitter. Criteria: ACMG Guidelines, 2015. Collection method: research. Allele origin: germline. Affected: yes. Observed: 1 variant allele. Not counted in ClinVar's aggregate classification.

Literature cited by the submitters: PubMed 20104584 (cited by Labcorp Genetics (formerly Invitae), Labcorp); PubMed 27257965 (cited by 3 submitters).